The following is an entry in ClinVar:

NM_000399.5(EGR2):c.1235A>G (p.Glu412Gly)

Gene: EGR2 (early growth response 2; minus strand). Cytogenetic location: 10q21.3.
Variant type: single nucleotide variant.
Coding change: c.1235A>G on transcript NM_000399.5 (MANE Select); coding-DNA position 1235, A replaced by G.
Protein change: p.Glu412Gly; replaces glutamic acid 412 with glycine.
Molecular consequence: missense variant.
Genome position (GRCh38, 1-based): chr10:62,813,403, T>C on the plus strand (A>G on the coding strand, the complement: EGR2 is on the minus strand). VCF-style: chr10-62813403-T-C. GRCh37 (hg19) VCF-style: chr10-64573163-T-C.
Other names: c.1235A>G, p.Glu412Gly (NM_001136177.3, NM_001136178.2); c.1085A>G, p.Glu362Gly (NM_001136179.3, NM_001321037.2); short protein forms E412G, E362G.
Identifiers: ClinVar variation 409979 (VCV000409979.11), dbSNP rs749558026, ClinGen allele CA5517167.

ClinVar aggregate classification (germline): Pathogenic/Likely pathogenic. Review status: criteria provided, multiple submitters, no conflicts (2 of 4 stars). 4 submissions from 4 submitters: Pathogenic (1); Likely pathogenic (1). 2 of the submissions do not count toward it. Last evaluated 2025-10-09.

Conditions:
EGR2-related disorders.
Charcot-Marie-Tooth disease. Also called: Charcot-Marie-Tooth Hereditary Neuropathy; Charcot-Marie-Tooth Neuropathy. Identifiers: Orphanet 166, MedGen C0007959, MONDO:0015626.
Charcot-Marie-Tooth disease, type I (CMT1). Also called: Charcot-Marie-Tooth, Type 1; Charcot-Marie-Tooth disease type 1. Identifiers: Orphanet 65753, MedGen C0751036, MONDO:0019011.
Charcot-Marie-Tooth disease type 1D. Also called: Charcot-Marie-Tooth disease, demyelinating, type 1d; CHARCOT-MARIE-TOOTH NEUROPATHY, TYPE 1D; HEREDITARY MOTOR AND SENSORY NEUROPATHY 1D; HMSN ID. Identifiers: Orphanet 101084, MedGen C1843247, MONDO:0011890, OMIM 607678.

Allele frequency attached by ClinVar (database versions not stated): gnomAD exomes below 0.00001; ExAC 0.00001.
gnomAD v4.1: 1 of 1,613,402 alleles (0.000062%); highest among the groups gnomAD compares: Non-Finnish European, 0.000085%; no homozygotes.

Submissions (4):

Labcorp Genetics (formerly Invitae), Labcorp
Classification: Pathogenic for Charcot-Marie-Tooth disease, type I. Last evaluated: 2025-10-09. Review status: criteria provided, single submitter. Criteria: Invitae Variant Classification Sherloc (09022015). Collection method: clinical testing. Allele origin: germline.
Comment: This sequence change replaces glutamic acid, which is acidic and polar, with glycine, which is neutral and non-polar, at codon 412 of the EGR2 protein (p.Glu412Gly). This variant is present in population databases (rs749558026, gnomAD 0.0009%). This missense change has been observed in individuals with Charcot-Marie-Tooth disease (PMID: 22546699, 30843326). It has also been observed to segregate with disease in related individuals. ClinVar contains an entry for this variant (Variation ID: 409979). Invitae Evidence Modeling of protein sequence and biophysical properties (such as structural, functional, and spatial information, amino acid conservation, physicochemical variation, residue mobility, and thermodynamic stability) indicates that this missense variant is expected to disrupt EGR2 protein function with a positive predictive value of 80%. This variant disrupts the p.Glu412 amino acid residue in EGR2. Other variant(s) that disrupt this residue have been determined to be pathogenic (PMID: 17717711, 27013732). This suggests that this residue is clinically significant, and that variants that disrupt this residue are likely to be disease-causing. For these reasons, this variant has been classified as Pathogenic.

Blueprint Genetics
Classification: Likely pathogenic for EGR2-related disorders. Last evaluated: 2022-04-30. Review status: criteria provided, single submitter. Criteria: ACMG Guidelines, 2015. Collection method: clinical testing. Allele origin: germline. Affected: yes. Observed: 1 variant allele.

Inherited Neuropathy Consortium Ii, University Of Miami
Classification: Uncertain significance for Charcot-Marie-Tooth disease type 1D. Last evaluated: 2016-01-06. Review status: no assertion criteria provided. Collection method: literature only. Allele origin: germline. Affected: yes. Not counted in ClinVar's aggregate classification.

Inherited Neuropathy Consortium
Classification: Uncertain significance for Charcot-Marie-Tooth disease. Review status: no assertion criteria provided. Collection method: literature only. Allele origin: germline. Affected: yes. Not counted in ClinVar's aggregate classification.

Literature cited by the submitters: PubMed 22546699 (cited by 3 submitters); PubMed 30843326 (cited by Labcorp Genetics (formerly Invitae), Labcorp); PubMed 17717711 (cited by Labcorp Genetics (formerly Invitae), Labcorp); PubMed 27013732 (cited by Labcorp Genetics (formerly Invitae), Labcorp).